The following is an entry in ClinVar:

NM_000138.5(FBN1):c.7221_7225del (p.Lys2407fs)

Gene: FBN1 (fibrillin 1; minus strand). Cytogenetic location: 15q21.1.
Variant type: Deletion.
Coding change: c.7221_7225del on transcript NM_000138.5 (MANE Select); coding-DNA positions 7221 to 7225, 5 bases deleted (GGTTA; older notation c.7221_7225delGGTTA).
Protein change: p.Lys2407fs; shifts the reading frame from lysine 2407.
Molecular consequence: frameshift variant.
Genome position (GRCh38, 1-based): chr15:48,425,844-48,425,848, TAACC deleted on the plus strand (GGTTA on the coding strand, the reverse complement: FBN1 is on the minus strand); deleting any 5 consecutive bases within chr15:48,425,844-48,425,849 gives the same sequence; the c. name uses the placement nearest the transcript's 3' end. VCF-style (leftmost placement, unchanged base first): chr15-48425843-ATAACC-A. GRCh37 (hg19) VCF-style: chr15-48718040-ATAACC-A.
Other names: short protein forms K2407fs.
Identifiers: ClinVar variation 653553 (VCV000653553.6), dbSNP rs1597516509, ClinGen allele CA915946631.

ClinVar aggregate classification (germline): Pathogenic (1 of 4 stars; one submission).

Conditions:
Familial thoracic aortic aneurysm and aortic dissection (TAAD). Also called: Thoracic aortic aneurysms and dissections. Identifiers: Orphanet 91387, MedGen C4707243, MONDO:0019625.
Marfan syndrome (MFS). Also called: FBN1-Related Marfan Syndrome; Marfan syndrome type 1; Marfan's syndrome; Marfan syndrome, classic; MARFAN SYNDROME, TYPE I. Identifiers: Orphanet 284963, Orphanet 558, MedGen C0024796, MONDO:0007947, OMIM 154700.

Submission:

Labcorp Genetics (formerly Invitae), Labcorp
Classification: Pathogenic for Marfan syndrome; Familial thoracic aortic aneurysm and aortic dissection. Last evaluated: 2018-12-25. Review status: criteria provided, single submitter. Criteria: Invitae Variant Classification Sherloc (09022015). Collection method: clinical testing. Allele origin: germline.
Comment: For these reasons, this variant has been classified as Pathogenic. Loss-of-function variants in FBN1 are known to be pathogenic (PMID: 17657824, 19293843). This variant has not been reported in the literature in individuals with FBN1-related conditions. This variant is not present in population databases (ExAC no frequency). This sequence change creates a premature translational stop signal (p.Lys2407Asnfs*13) in the FBN1 gene. It is expected to result in an absent or disrupted protein product.

Literature cited by the submitters: PubMed 17657824; PubMed 19293843.